The following is an entry in ClinVar:

NM_000059.4(BRCA2):c.5065_5066delinsAAAA (p.Ala1689fs)

Gene: BRCA2 (BRCA2 DNA repair associated; plus strand). Cytogenetic location: 13q13.1.
Variant type: Indel.
Coding change: c.5065_5066delinsAAAA on transcript NM_000059.4 (MANE Select); coding-DNA positions 5065 to 5066, GC replaced by AAAA.
Protein change: p.Ala1689fs; shifts the reading frame from alanine 1689.
Molecular consequence: frameshift variant. On other transcripts: non-coding transcript variant (1), intron variant (2).
Genome position (GRCh38, 1-based): chr13:32,339,420-32,339,421, GC replaced by AAAA. VCF-style: chr13-32339420-GC-AAAA. GRCh37 (hg19) VCF-style: chr13-32913557-GC-AAAA.
Other names: c.5065_5066delinsAAAA, p.Ala1689fs (NM_001406719.1, NM_001406720.1, NM_001432077.1); c.1910-5138_1910-5137delinsAAAA (NM_001406721.1); c.425-5138_425-5137delinsAAAA (NM_001406722.1); short protein forms A1689fs.
Identifiers: ClinVar variation 3894376 (VCV003894376.1).

ClinVar aggregate classification (germline): Pathogenic (1 of 4 stars; one submission).

Conditions:
Hereditary cancer-predisposing syndrome. Also called: Neoplastic Syndromes, Hereditary; Tumor predisposition; Hereditary Cancer Syndrome; Hereditary neoplastic syndrome. Identifiers: Orphanet 140162, MedGen C0027672, MeSH D009386, MONDO:0015356.

Submission:

Color Diagnostics, LLC DBA Color Health
Classification: Pathogenic for Hereditary cancer-predisposing syndrome. Last evaluated: 2023-07-31. Review status: criteria provided, single submitter. Criteria: ACMG Guidelines, 2015. Collection method: clinical testing. Allele origin: germline.
Comment: This variant deletes 2 nucleotides and inserts 4 nucleotides in exon 11 of the BRCA2 gene, creating a frameshift and premature translation stop signal. This variant is expected to result in an absent or non-functional protein product. To our knowledge, this variant has not been reported in individuals affected with BRCA2-related disorders in the literature. This variant has not been identified in the general population by the Genome Aggregation Database (gnomAD). Loss of BRCA2 function is a known mechanism of disease. Based on the available evidence, this variant is classified as Pathogenic.